The following is an entry in ClinVar:

ClinVar aggregate classification (germline): Benign (1 of 4 stars; one submission).

Allele frequency attached by ClinVar (database versions not stated): 1000 Genomes Project 30x 0.37461; TOPMed 0.37528; 1000 Genomes Project 0.37680; gnomAD 0.39159 and 0.39300.
gnomAD v4.1: 60,030 of 152,024 alleles (39%); highest among the groups gnomAD compares: South Asian, 47%; 12,461 homozygotes.

Submission:

GeneDx
Classification: Benign. Last evaluated: 2018-06-19. Review status: criteria provided, single submitter. Criteria: GeneDx Variant Classification (06012015). Collection method: clinical testing. Allele origin: germline. Affected: yes.
Comment: This variant is considered likely benign or benign based on one or more of the following criteria: it is a conservative change, it occurs at a poorly conserved position in the protein, it is predicted to be benign by multiple in silico algorithms, and/or has population frequency not consistent with disease.

NM_022132.5(MCCC2):c.1000-187C>G

Gene: MCCC2 (methylcrotonyl-CoA carboxylase subunit 2; plus strand). Cytogenetic location: 5q13.2.
Variant type: single nucleotide variant.
Coding change: c.1000-187C>G on transcript NM_022132.5 (MANE Select); 187 bases into the intron before coding-DNA position 1000, C replaced by G.
Molecular consequence: intron variant.
Genome position (GRCh38, 1-based): chr5:71,640,816, C>G. VCF-style: chr5-71640816-C-G. GRCh37 (hg19) VCF-style: chr5-70936643-C-G.
Other names: c.886-187C>G (NM_001363147.1).
Identifiers: ClinVar variation 684220 (VCV000684220.1), dbSNP rs277936, ClinGen allele CA119997186.